The following is an entry in ClinVar:

ClinVar aggregate classification (germline): Uncertain significance (1 of 4 stars; one submission).

Conditions:
Cone-rod dystrophy 13 (CORD13). Identifiers: Orphanet 1872, MedGen C2750720, MONDO:0011987, OMIM 608194.
Leber congenital amaurosis 6 (LCA6). Identifiers: Orphanet 65, MedGen C1854260, MONDO:0013446, OMIM 613826.

Submission:

Labcorp Genetics (formerly Invitae), Labcorp
Classification: Uncertain significance for Leber congenital amaurosis 6; Cone-rod dystrophy 13. Last evaluated: 2022-10-04. Review status: criteria provided, single submitter. Criteria: Invitae Variant Classification Sherloc (09022015). Collection method: clinical testing. Allele origin: germline.
Comment: This variant is present in population databases (no rsID available, gnomAD 0.04%). In summary, the available evidence is currently insufficient to determine the role of this variant in disease. Therefore, it has been classified as a Variant of Uncertain Significance. Algorithms developed to predict the effect of missense changes on protein structure and function are either unavailable or do not agree on the potential impact of this missense change (SIFT: "Not Available"; PolyPhen-2: "Probably Damaging"; Align-GVGD: "Not Available"). ClinVar contains an entry for this variant (Variation ID: 1409461). This variant has not been reported in the literature in individuals affected with RPGRIP1-related conditions. This sequence change replaces glutamic acid, which is acidic and polar, with arginine, which is basic and polar, at codon 539 of the RPGRIP1 protein (p.Glu539Arg).

NM_020366.4(RPGRIP1):c.1615_1616delinsAG (p.Glu539Arg)

Gene: RPGRIP1 (RPGR interacting protein 1; plus strand). Cytogenetic location: 14q11.2.
Variant type: Indel.
Coding change: c.1615_1616delinsAG on transcript NM_020366.4 (MANE Select); coding-DNA positions 1615 to 1616, GA replaced by AG.
Protein change: p.Glu539Arg; replaces glutamic acid 539 with arginine.
Molecular consequence: missense variant.
Genome position (GRCh38, 1-based): chr14:21,321,857-21,321,858, GA replaced by AG. VCF-style: chr14-21321857-GA-AG. GRCh37 (hg19) VCF-style: chr14-21790016-GA-AG.
Other names: c.541_542delinsAG, p.Glu181Arg (NM_001377523.1, NM_001377948.1, NM_001377949.1 and 1 more transcripts); c.43_44delinsAG, p.Glu15Arg (NM_001377951.1); short protein forms E181R, E539R, E15R.
Identifiers: ClinVar variation 1409461 (VCV001409461.6), dbSNP rs2139211228, ClinGen allele CA2573149727.